The following is an entry in ClinVar:

NM_020919.4(ALS2):c.4119A>G (p.Ile1373Met)

Gene: ALS2 (alsin Rho guanine nucleotide exchange factor ALS2; minus strand). Cytogenetic location: 2q33.1.
Variant type: single nucleotide variant.
Coding change: c.4119A>G on transcript NM_020919.4 (MANE Select); coding-DNA position 4119, A replaced by G.
Protein change: p.Ile1373Met; replaces isoleucine 1373 with methionine.
Molecular consequence: missense variant.
Genome position (GRCh38, 1-based): chr2:201,710,994, T>C on the plus strand (A>G on the coding strand, the complement: ALS2 is on the minus strand). VCF-style: chr2-201710994-T-C. GRCh37 (hg19) VCF-style: chr2-202575717-T-C.
Other names: short protein forms I1373M.
Identifiers: ClinVar variation 282606 (VCV000282606.68), dbSNP rs61757691, ClinGen allele CA2057670.

ClinVar aggregate classification (germline): Benign/Likely benign. Review status: criteria provided, multiple submitters, no conflicts (2 of 4 stars). 11 submissions from 10 submitters: Benign (2); Likely benign (6). 3 of the submissions do not count toward it. Last evaluated 2026-06-01.

Conditions:
ALS2-related disorder. Also called: ALS2-Related Spectrum Disorders; ALS2-related disorders; ALS2-related condition. Identifiers: MedGen CN169291.
Hereditary spastic paraplegia. Also called: Familial spastic paraparesis. Identifiers: Orphanet 685, MedGen C0037773, MONDO:0019064. Disease mechanism: loss of function.
Amyotrophic lateral sclerosis type 2, juvenile. Also called: ALS, JUVENILE; Amyotrophic lateral sclerosis type 2. Identifiers: Orphanet 300605, MedGen C1859807, MONDO:0008780, OMIM 205100.
Infantile-onset ascending hereditary spastic paralysis (IAHSP). Also called: Autosomal Recessive Juvenile Amyotrophic Lateral Sclerosis; Infantile-Onset Ascending Hereditary Spastic Paralysis (IAHSP). Identifiers: Orphanet 293168, MedGen C2931441, MONDO:0011797, OMIM 607225. Disease mechanism: loss of function.

Allele frequency attached by ClinVar (database versions not stated): 1000 Genomes Project 0.00120; 1000 Genomes Project 30x 0.00125; gnomAD 0.00263 and 0.00269; TOPMed 0.00264; gnomAD exomes 0.00276 and 0.00403; ExAC 0.00305; ESP Exome Variant Server 0.00364.

Submissions (11):

CeGaT Center for Human Genetics Tuebingen
Classification: Likely benign. Last evaluated: 2026-06-01. Review status: criteria provided, single submitter. Criteria: CeGaT Center For Human Genetics Tuebingen Variant Classification Criteria Version 2. Collection method: clinical testing. Allele origin: germline. Affected: yes. Observed: 20 variant alleles.
Comment: ALS2: BS2

Labcorp Genetics (formerly Invitae), Labcorp
Classification: Benign for Infantile-onset ascending hereditary spastic paralysis. Last evaluated: 2026-01-27. Review status: criteria provided, single submitter. Criteria: Invitae Variant Classification Sherloc (09022015). Collection method: clinical testing. Allele origin: germline.

Athena Diagnostics
Classification: Benign. Last evaluated: 2023-11-07. Review status: criteria provided, single submitter. Criteria: Athena Diagnostics Criteria. Collection method: clinical testing. Allele origin: unknown.

Genome Diagnostics Laboratory, The Hospital for Sick Children
Classification: Likely benign for Hereditary spastic paraplegia. Last evaluated: 2021-02-23. Review status: criteria provided, single submitter. Criteria: ACMG Guidelines, 2015. Collection method: clinical testing. Allele origin: germline. Affected: yes.

GeneDx
Classification: Likely benign. Last evaluated: 2020-01-23. Review status: criteria provided, single submitter. Criteria: GeneDx Variant Classification Process June 2021. Collection method: clinical testing. Allele origin: germline. Affected: yes.
Comment: This variant is associated with the following publications: (PMID: 27790088, 25174650)

Illumina Laboratory Services, Illumina
Classification: Likely benign for Amyotrophic lateral sclerosis type 2. Last evaluated: 2018-01-13. Review status: criteria provided, single submitter. Criteria: ICSL Variant Classification Criteria 13 December 2019. Collection method: clinical testing. Allele origin: germline.
Comment: This variant was observed in the ICSL laboratory as part of a predisposition screen in an ostensibly healthy population. It had not been previously curated by ICSL or reported in the Human Gene Mutation Database (HGMD: prior to June 1st, 2018), and was therefore a candidate for classification through an automated scoring system. Utilizing variant allele frequency, disease prevalence and penetrance estimates, and inheritance mode, an automated score was calculated to assess if this variant is too frequent to cause the disease. Based on the score and internal cut-off values, a variant classified as likely benign is not then subjected to further curation. The score for this variant resulted in a classification of likely benign for this disease.

Illumina Laboratory Services, Illumina
Classification: Likely benign for ALS2-Related Disorders. Last evaluated: 2018-01-13. Review status: criteria provided, single submitter. Criteria: ICSL Variant Classification Criteria 13 December 2019. Collection method: clinical testing. Allele origin: germline.
Comment: the same text as in the submission from Illumina Laboratory Services, Illumina above.

Eurofins Ntd Llc (ga)
Classification: Likely benign. Last evaluated: 2015-08-13. Review status: criteria provided, single submitter. Criteria: EGL Classification Definitions 2015. Collection method: clinical testing. Allele origin: germline. Observed: 1 variant allele, 1 heterozygote.

Clinical Genetics DNA and cytogenetics Diagnostics Lab, Erasmus MC, Erasmus Medical Center
Classification: Likely benign. Review status: no assertion criteria provided. Collection method: clinical testing. Allele origin: germline. Affected: yes. Study: VKGL Data-share Consensus. Not counted in ClinVar's aggregate classification.

Genome Diagnostics Laboratory, Amsterdam University Medical Center
Classification: Benign. Review status: no assertion criteria provided. Collection method: clinical testing. Allele origin: germline. Affected: yes. Study: VKGL Data-share Consensus. Not counted in ClinVar's aggregate classification.

Genome Diagnostics Laboratory, University Medical Center Utrecht
Classification: Likely benign. Review status: no assertion criteria provided. Collection method: clinical testing. Allele origin: germline. Affected: yes. Study: VKGL Data-share Consensus. Not counted in ClinVar's aggregate classification.

Literature cited by the submitters: PubMed 25174650 (cited by Athena Diagnostics); PubMed 27790088 (cited by Athena Diagnostics); PubMed 23881933 (cited by Athena Diagnostics).